The following is an entry in ClinVar:

ClinVar aggregate classification (germline): Conflicting classifications of pathogenicity. Review status: criteria provided, conflicting classifications (1 of 4 stars). 2 submissions from 2 submitters: Uncertain significance (1); Likely benign (1). Last evaluated 2024-07-16.

Allele frequency attached by ClinVar (database versions not stated): ExAC 0.00001; gnomAD exomes 0.00001; TOPMed 0.00006; gnomAD 0.00007 and 0.00008; ESP Exome Variant Server 0.00008.
gnomAD v4.1: 21 of 1,611,862 alleles (0.0013%); highest among the groups gnomAD compares: African/African-American, 0.019%; no homozygotes.

Submissions (2):

Labcorp Genetics (formerly Invitae), Labcorp
Classification: Likely benign. Last evaluated: 2024-07-16. Review status: criteria provided, single submitter. Criteria: Invitae Variant Classification Sherloc (09022015). Collection method: clinical testing. Allele origin: germline.

GeneDx
Classification: Uncertain significance. Last evaluated: 2022-02-14. Review status: criteria provided, single submitter. Criteria: GeneDx Variant Classification Process June 2021. Collection method: clinical testing. Allele origin: germline. Affected: yes.
Comment: Has not been previously published as pathogenic or benign to our knowledge; In silico analysis supports that this missense variant has a deleterious effect on protein structure/function

NM_001170629.2(CHD8):c.5662T>C (p.Tyr1888His)

Gene: CHD8 (chromodomain helicase DNA binding protein 8; minus strand). Cytogenetic location: 14q11.2.
Variant type: single nucleotide variant.
Coding change: c.5662T>C on transcript NM_001170629.2 (MANE Select); coding-DNA position 5662, T replaced by C.
Protein change: p.Tyr1888His; replaces tyrosine 1888 with histidine.
Molecular consequence: missense variant.
Genome position (GRCh38, 1-based): chr14:21,394,133, A>G on the plus strand (T>C on the coding strand, the complement: CHD8 is on the minus strand). VCF-style: chr14-21394133-A-G. GRCh37 (hg19) VCF-style: chr14-21862292-A-G.
Other names: c.4825T>C, p.Tyr1609His (NM_020920.4); short protein forms Y1609H, Y1888H.
Identifiers: ClinVar variation 1343002 (VCV001343002.5), dbSNP rs373607095, ClinGen allele CA7090912.
Genomic context (GRCh38, chr14:21,394,133, plus strand): 5'-CTTCCAAAAGGGGGTGGCATAAAACTTGTTCCCGTAAGCGCCGAAGCAATTCTATACGGT[A>G]GAGAGTCCGTGAGGCTCTCTCCTCAGTGATGGGCTCAATGAACAGGTTAGGGTCGGGGGG-3'
Protein context (NP_001164100.1, residues 1878-1898): ITEERASRTL[Tyr1888His]RIELLRRLRE